The following is an entry in ClinVar:

ClinVar aggregate classification (germline): Uncertain significance (1 of 4 stars; one submission).

Submission:

GeneDx
Classification: Uncertain significance. Last evaluated: 2023-05-25. Review status: criteria provided, single submitter. Criteria: GeneDx Variant Classification Process June 2021. Collection method: clinical testing. Allele origin: germline. Affected: yes.
Comment: Not observed at significant frequency in large population cohorts (gnomAD); In silico analysis supports that this missense variant has a deleterious effect on protein structure/function; Has not been previously published as pathogenic or benign to our knowledge

NM_006767.4(LZTR1):c.1240G>C (p.Gly414Arg)

Gene: LZTR1 (leucine zipper like post translational regulator 1; plus strand). Cytogenetic location: 22q11.21.
Variant type: single nucleotide variant.
Coding change: c.1240G>C on transcript NM_006767.4 (MANE Select); coding-DNA position 1240, G replaced by C.
Protein change: p.Gly414Arg; replaces glycine 414 with arginine.
Molecular consequence: missense variant.
Genome position (GRCh38, 1-based): chr22:20,992,884, G>C. VCF-style: chr22-20992884-G-C. GRCh37 (hg19) VCF-style: chr22-21347173-G-C.
Other names: short protein forms G414R.
Identifiers: ClinVar variation 3362099 (VCV003362099.1).